The following is an entry in ClinVar:

ClinVar aggregate classification (germline): Pathogenic (1 of 4 stars; one submission).

Conditions:
DICER1-related tumor predisposition. Also called: DICER1-related pleuropulmonary blastoma cancer predisposition syndrome; DICER1 syndrome. Identifiers: Orphanet 284343, MedGen C3839822, MONDO:0100216.

Submission:

Labcorp Genetics (formerly Invitae), Labcorp
Classification: Pathogenic for DICER1-related tumor predisposition. Last evaluated: 2025-09-02. Review status: criteria provided, single submitter. Criteria: Invitae Variant Classification Sherloc (09022015). Collection method: clinical testing. Allele origin: germline.
Comment: This sequence change creates a premature translational stop signal (p.Val1082Serfs*9) in the DICER1 gene. It is expected to result in an absent or disrupted protein product. Loss-of-function variants in DICER1 are known to be pathogenic (PMID: 19556464, 21266384). This variant is not present in population databases (gnomAD no frequency). This variant has not been reported in the literature in individuals affected with DICER1-related conditions. ClinVar contains an entry for this variant (Variation ID: 3727830). For these reasons, this variant has been classified as Pathogenic.

Literature cited by the submitters: PubMed 19556464; PubMed 21266384.

NM_177438.3(DICER1):c.3243dup (p.Val1082fs)

Gene: DICER1 (dicer 1, ribonuclease III; minus strand). Cytogenetic location: 14q32.13.
Variant type: Duplication.
Coding change: c.3243dup on transcript NM_177438.3 (MANE Select); coding-DNA position 3243, one base duplicated (A; older notation c.3243dupA).
Protein change: p.Val1082fs; shifts the reading frame from valine 1082.
Molecular consequence: frameshift variant. On other transcripts: non-coding transcript variant (6).
Genome position (GRCh38, 1-based): chr14:95,105,097, T duplicated on the plus strand (A on the coding strand, the reverse complement: DICER1 is on the minus strand). VCF-style (leftmost placement, unchanged base first): chr14-95105096-C-CT. GRCh37 (hg19) VCF-style: chr14-95571433-C-CT.
Other names: c.3243dup, p.Val1082fs (NM_001195573.1, NM_001271282.3, NM_001291628.2 and 12 more transcripts); c.2961dup, p.Val988fs (NM_001395686.1); c.2838dup, p.Val947fs (NM_001395687.1, NM_001395688.1, NM_001395689.1 and 2 more transcripts); c.2676dup, p.Val893fs (NM_001395691.1); c.1560dup, p.Val521fs (NM_001395697.1); short protein forms V988fs, V893fs, V1082fs, V521fs, V947fs.
Identifiers: ClinVar variation 3727830 (VCV003727830.2).